The following is an entry in ClinVar:

NM_000719.7(CACNA1C):c.1204G>A (p.Gly402Ser)

Gene: CACNA1C (calcium voltage-gated channel subunit alpha1 C; plus strand). Cytogenetic location: 12p13.33.
Variant type: single nucleotide variant.
Coding change: c.1204G>A on transcript NM_000719.7 (MANE Select); coding-DNA position 1204, G replaced by A.
Protein change: p.Gly402Ser; replaces glycine 402 with serine.
Molecular consequence: missense variant. On other transcripts: intron variant (4).
Genome position (GRCh38, 1-based): chr12:2,504,932, G>A. VCF-style: chr12-2504932-G-A. GRCh37 (hg19) VCF-style: chr12-2614098-G-A.
Other names: c.1204G>A, p.Gly402Ser (NM_001129827.2, NM_001129829.2, NM_001129830.3 and 14 more transcripts); c.1195G>A, p.Gly399Ser (NM_001129844.2); c.1217+393G>A (NM_001167624.3, NM_001167623.2, NM_001167625.2 and 1 more transcripts); c.1204G>A (LRG_334t1); short protein forms G402S, G399S.
Identifiers: ClinVar variation 17633 (VCV000017633.13), dbSNP rs80315385, ClinGen allele CA329627.

ClinVar aggregate classification (germline): Pathogenic. Review status: criteria provided, multiple submitters, no conflicts (2 of 4 stars). 5 submissions from 5 submitters: Pathogenic (2). 3 of the submissions do not count toward it. Last evaluated 2025-12-04.

Conditions:
Familial long QT syndrome (RWS). Also called: Romano-Ward syndrome; VENTRICULAR FIBRILLATION WITH PROLONGED QT INTERVAL; Congenital long QT syndrome. Identifiers: Orphanet 768, MedGen C1141890, MONDO:0019171.
Long QT syndrome (LQTS). Identifiers: MedGen C0023976, MeSH D008133, MONDO:0002442. Disease mechanism: loss of function. Inheritance: Various modes of inheritance.
Timothy syndrome (TS). Also called: LONG QT SYNDROME WITH SYNDACTYLY. Identifiers: Orphanet 65283, MedGen C1832916, MeSH C536962, MONDO:0010979, OMIM 601005.

Submissions (5):

GeneDx
Classification: Pathogenic. Last evaluated: 2025-12-04. Review status: criteria provided, single submitter. Criteria: GeneDx Variant Classification Process June 2021. Collection method: clinical testing. Allele origin: germline. Affected: yes.
Comment: Published functional studies demonstrate reduced channel inactivation resulting in maintained depolarizing L-type calcium currents (PMID: 15863612); In silico analysis supports that this missense variant has a deleterious effect on protein structure/function; Not observed at significant frequency in large population cohorts (gnomAD); This variant is associated with the following publications: (PMID: 21685391, 15863612, 25691416, 23979604, 24773605, 28807990, 30513141, 29032884, 34930847, 36436328, 39580446, 38555290, 37822150, 33149276, 37009738, 32161207, 28341588)

Labcorp Genetics (formerly Invitae), Labcorp
Classification: Pathogenic for Long QT syndrome. Last evaluated: 2020-11-30. Review status: criteria provided, single submitter. Criteria: Invitae Variant Classification Sherloc (09022015). Collection method: clinical testing. Allele origin: germline.
Comment: Advanced modeling of protein sequence and biophysical properties (such as structural, functional, and spatial information, amino acid conservation, physicochemical variation, residue mobility, and thermodynamic stability) performed at Invitae indicates that this missense variant is expected to disrupt CACNA1C protein function. For these reasons, this variant has been classified as Pathogenic. Algorithms developed to predict the effect of sequence changes on RNA splicing suggest that this variant may create or strengthen a splice site, but this prediction has not been confirmed by published transcriptional studies. This variant has been observed in individual(s) with Timothy syndrome (PMID: 32161207, 15863612). ClinVar contains an entry for this variant (Variation ID: 17633). This variant is not present in population databases (ExAC no frequency). This sequence change replaces glycine with serine at codon 402 of the CACNA1C protein (p.Gly402Ser). The glycine residue is highly conserved and there is a small physicochemical difference between glycine and serine.

OMIM
Classification: Pathogenic for TIMOTHY SYNDROME. Last evaluated: 2005-06-07. Review status: no assertion criteria provided. Collection method: literature only. Allele origin: germline. Not counted in ClinVar's aggregate classification.

Cardiovascular Biomedical Research Unit, Royal Brompton & Harefield NHS Foundation Trust
No classification provided. Condition: Familial long QT syndrome. Review status: no classification provided. Collection method: literature only. Allele origin: germline. Not counted in ClinVar's aggregate classification.
Comment: This variant has been reported in the following publications (PMID:15863612;PMID:21685391).

GeneReviews
No classification provided. Condition: Timothy syndrome. Review status: no classification provided. Collection method: literature only. Allele origin: germline. Not counted in ClinVar's aggregate classification.
Comment: Timothy syndrome phenotype with or without syndactyly

Literature cited by the submitters: PubMed 32161207 (cited by Labcorp Genetics (formerly Invitae), Labcorp); PubMed 15863612 (cited by 4 submitters); PubMed 25691416 (cited by OMIM); PubMed 21685391 (cited by Cardiovascular Biomedical Research Unit, Royal Brompton & Harefield NHS Foundation Trust); PubMed 22581653 (cited by Cardiovascular Biomedical Research Unit, Royal Brompton & Harefield NHS Foundation Trust); NCBI Bookshelf NBK1403 (cited by GeneReviews).